The following is an entry in ClinVar:

NM_001083619.3(GRIA2):c.1474-4A>G

Gene: GRIA2 (glutamate ionotropic receptor AMPA type subunit 2; plus strand). Cytogenetic location: 4q32.1.
Variant type: single nucleotide variant.
Coding change: c.1474-4A>G on transcript NM_001083619.3 (MANE Select); 4 bases into the intron before coding-DNA position 1474, A replaced by G.
Molecular consequence: intron variant.
Genome position (GRCh38, 1-based): chr4:157,336,373, A>G. VCF-style: chr4-157336373-A-G. GRCh37 (hg19) VCF-style: chr4-158257525-A-G.
Other names: c.1333-4A>G (NM_001379000.3, NM_001379001.3, NM_001083620.3); c.1474-4A>G (NM_000826.6).
Identifiers: ClinVar variation 3768747 (VCV003768747.1).

ClinVar aggregate classification (germline): Uncertain significance (1 of 4 stars; one submission).

gnomAD v4.1: 2 of 1,529,132 alleles (0.00013%); highest among the groups gnomAD compares: South Asian, 0.0026%; no homozygotes.

Submission:

Women's Health and Genetics/Laboratory Corporation of America, LabCorp
Classification: Uncertain significance. Last evaluated: 2025-02-25. Review status: criteria provided, single submitter. Criteria: LabCorp Variant Classification Summary - May 2015. Collection method: clinical testing. Allele origin: germline.
Comment: Variant summary: GRIA2 c.1474-4A>G alters a conserved nucleotide located close to a canonical splice site and therefore could affect mRNA splicing, leading to a significantly altered protein sequence. Consensus agreement among computation tools predict no significant impact on normal splicing. However, these predictions have yet to be confirmed by functional studies. The frequency data for this variant in gnomAD is considered unreliable, as metrics indicate poor data quality at this position. To our knowledge, no occurrence of c.1474-4A>G in individuals affected with Neurodevelopmental Disorder With Language Impairment And Behavioral Abnormalities and no experimental evidence demonstrating its impact on protein function have been reported. No submitters have cited clinical-significance assessments for this variant to ClinVar. Based on the evidence outlined above, the variant was classified as uncertain significance.